The following is an entry in ClinVar:

ClinVar aggregate classification (germline): Uncertain significance. Review status: criteria provided, multiple submitters, no conflicts (2 of 4 stars). 3 submissions from 3 submitters: Uncertain significance (3). Last evaluated 2026-04-23.

Conditions:
Spondyloepiphyseal dysplasia, Kimberley type. Identifiers: Orphanet 93283, MedGen C1842149, MONDO:0012019, OMIM 608361.

Allele frequency attached by ClinVar (database versions not stated): gnomAD exomes below 0.00001.
gnomAD v4.1: 1 of 1,614,030 alleles (0.000062%); highest among the groups gnomAD compares: Non-Finnish European, 0.000085%; no homozygotes.

Submissions (3):

GeneDx
Classification: Uncertain significance. Last evaluated: 2026-04-23. Review status: criteria provided, single submitter. Criteria: GeneDx Variant Classification Process June 2021. Collection method: clinical testing. Allele origin: germline.
Comment: Not observed at significant frequency in large population cohorts (gnomAD); In silico analysis supports that this missense variant has a deleterious effect on protein structure/function; Has not been previously published as pathogenic or benign to our knowledge

Labcorp Genetics (formerly Invitae), Labcorp
Classification: Uncertain significance. Last evaluated: 2024-05-23. Review status: criteria provided, single submitter. Criteria: Invitae Variant Classification Sherloc (09022015). Collection method: clinical testing. Allele origin: germline.
Comment: This sequence change replaces valine, which is neutral and non-polar, with methionine, which is neutral and non-polar, at codon 88 of the ACAN protein (p.Val88Met). This variant is not present in population databases (gnomAD no frequency). This variant has not been reported in the literature in individuals affected with ACAN-related conditions. ClinVar contains an entry for this variant (Variation ID: 975931). Advanced modeling of protein sequence and biophysical properties (such as structural, functional, and spatial information, amino acid conservation, physicochemical variation, residue mobility, and thermodynamic stability) performed at Invitae indicates that this missense variant is not expected to disrupt ACAN protein function with a negative predictive value of 80%. In summary, the available evidence is currently insufficient to determine the role of this variant in disease. Therefore, it has been classified as a Variant of Uncertain Significance.

Institute of Human Genetics, University of Leipzig Medical Center
Classification: Uncertain significance for Spondyloepiphyseal dysplasia, Kimberley type. Last evaluated: 2017-09-07. Review status: criteria provided, single submitter. Criteria: ACMG Guidelines, 2015. Collection method: clinical testing. Allele origin: germline. Affected: yes. Observed: 1 variant allele.

NM_001369268.1(ACAN):c.262G>A (p.Val88Met)

Gene: ACAN (aggrecan; plus strand). Cytogenetic location: 15q26.1.
Variant type: single nucleotide variant.
Coding change: c.262G>A on transcript NM_001369268.1 (MANE Select); coding-DNA position 262, G replaced by A.
Protein change: p.Val88Met; replaces valine 88 with methionine.
Molecular consequence: missense variant.
Genome position (GRCh38, 1-based): chr15:88,838,854, G>A. VCF-style: chr15-88838854-G-A. GRCh37 (hg19) VCF-style: chr15-89382085-G-A.
Other names: c.262G>A, p.Val88Met (NM_001135.4, NM_013227.4); c.262G>A (NM_013227.3); short protein forms V88M.
Identifiers: ClinVar variation 975931 (VCV000975931.4), dbSNP rs1896574687, ClinGen allele CA393715057.